The following is an entry in ClinVar:

ClinVar aggregate classification (germline): Uncertain significance (1 of 4 stars; one submission).

Conditions:
Fanconi anemia (FA). Also called: Fanconi's anemia. Identifiers: Orphanet 84, MedGen C0015625, MeSH D005199, MONDO:0019391.

Submission:

Labcorp Genetics (formerly Invitae), Labcorp
Classification: Uncertain significance for Fanconi anemia. Last evaluated: 2025-01-26. Review status: criteria provided, single submitter. Criteria: Invitae Variant Classification Sherloc (09022015). Collection method: clinical testing. Allele origin: germline.
Comment: This sequence change replaces glutamic acid, which is acidic and polar, with alanine, which is neutral and non-polar, at codon 1490 of the SLX4 protein (p.Glu1490Ala). This variant is not present in population databases (gnomAD no frequency). This variant has not been reported in the literature in individuals affected with SLX4-related conditions. An algorithm developed to predict the effect of missense changes on protein structure and function (PolyPhen-2) suggests that this variant is likely to be tolerated. In summary, the available evidence is currently insufficient to determine the role of this variant in disease. Therefore, it has been classified as a Variant of Uncertain Significance.

NM_032444.4(SLX4):c.4469A>C (p.Glu1490Ala)

Gene: SLX4 (SLX4 structure-specific endonuclease subunit; minus strand). Cytogenetic location: 16p13.3.
Variant type: single nucleotide variant.
Coding change: c.4469A>C on transcript NM_032444.4 (MANE Select); coding-DNA position 4469, A replaced by C.
Protein change: p.Glu1490Ala; replaces glutamic acid 1490 with alanine.
Molecular consequence: missense variant.
Genome position (GRCh38, 1-based): chr16:3,589,169, T>G on the plus strand (A>C on the coding strand, the complement: SLX4 is on the minus strand). VCF-style: chr16-3589169-T-G. GRCh37 (hg19) VCF-style: chr16-3639170-T-G.
Other names: short protein forms E1490A.
Identifiers: ClinVar variation 3729629 (VCV003729629.2).